The following is an entry in ClinVar:

NM_001080453.3(INTS1):c.3458G>A (p.Arg1153His)

Gene: INTS1 (integrator complex subunit 1; minus strand). Cytogenetic location: 7p22.3.
Variant type: single nucleotide variant.
Coding change: c.3458G>A on transcript NM_001080453.3 (MANE Select); coding-DNA position 3458, G replaced by A.
Protein change: p.Arg1153His; replaces arginine 1153 with histidine.
Molecular consequence: missense variant.
Genome position (GRCh38, 1-based): chr7:1,483,825, C>T on the plus strand (G>A on the coding strand, the complement: INTS1 is on the minus strand). VCF-style: chr7-1483825-C-T. GRCh37 (hg19) VCF-style: chr7-1523461-C-T.
Other names: short protein forms R1153H.
Identifiers: ClinVar variation 4622136 (VCV004622136.1).

ClinVar aggregate classification (germline): Uncertain significance (1 of 4 stars; one submission).

Conditions:
Inborn genetic diseases. Identifiers: MedGen C0950123, MeSH D030342.

gnomAD v4.1: 12 of 1,612,068 alleles (0.00074%); highest among the groups gnomAD compares: Admixed American, 0.0017%; no homozygotes.

Submission:

Ambry Genetics
Classification: Uncertain significance for Inborn genetic diseases. Last evaluated: 2025-09-22. Review status: criteria provided, single submitter. Criteria: Ambry Variant Classification Scheme 2023. Collection method: clinical testing. Allele origin: germline.
Comment: The c.3458G>A (p.R1153H) alteration is located in exon 26 (coding exon 25) of the INTS1 gene. This alteration results from a G to A substitution at nucleotide position 3458, causing the arginine (R) at amino acid position 1153 to be replaced by a histidine (H). Based on data from gnomAD, the A allele has an overall frequency of <0.001% (1/247894) total alleles studied. The highest observed frequency was 0.001% (1/112008) of European (non-Finnish) alleles. Based on insufficient or conflicting evidence, the clinical significance of this alteration remains unclear.